The following is an entry in ClinVar:

NM_006087.4(TUBB4A):c.1331C>T (p.Ala444Val)

Gene: TUBB4A (tubulin beta 4A class IVa; minus strand). Cytogenetic location: 19p13.3.
Variant type: single nucleotide variant.
Coding change: c.1331C>T on transcript NM_006087.4 (MANE Select); coding-DNA position 1331, C replaced by T.
Protein change: p.Ala444Val; replaces alanine 444 with valine.
Molecular consequence: missense variant.
Genome position (GRCh38, 1-based): chr19:6,495,168, G>A on the plus strand (C>T on the coding strand, the complement: TUBB4A is on the minus strand). VCF-style: chr19-6495168-G-A. GRCh37 (hg19) VCF-style: chr19-6495179-G-A.
Other names: c.1484C>T, p.Ala495Val (NM_001289123.2); c.1466C>T, p.Ala489Val (NM_001289127.2); c.1331C>T, p.Ala444Val (NM_001289129.2); c.1115C>T, p.Ala372Val (NM_001289130.2, NM_001289131.2); short protein forms A489V, A372V, A444V, A495V.
Identifiers: ClinVar variation 2150798 (VCV002150798.4), dbSNP rs371914924, ClinGen allele CA9127230.

ClinVar aggregate classification (germline): Uncertain significance (1 of 4 stars; one submission).

Conditions:
Leukodystrophy, hypomyelinating, 6. Also called: Hypomyelination with Atrophy of Basal Ganglia and Cerebellum (H-ABC); LEUKODYSTROPHY, HYPOMYELINATING, WITH ATROPHY OF THE BASAL GANGLIA AND CEREBELLUM; TUBB4A-Associated Leukodystrophy. Identifiers: Orphanet 139441, MedGen C2676244, MONDO:0012905, OMIM 612438.

Allele frequency attached by ClinVar (database versions not stated): TOPMed 0.00002; gnomAD 0.00004; gnomAD exomes 0.00006; ExAC 0.00007; ESP Exome Variant Server 0.00008; 1000 Genomes Project 30x 0.00016; 1000 Genomes Project 0.00020.
gnomAD v4.1: 99 of 1,613,754 alleles (0.0061%); highest among the groups gnomAD compares: Non-Finnish European, 0.0078%; no homozygotes.

Submission:

Labcorp Genetics (formerly Invitae), Labcorp
Classification: Uncertain significance for Leukodystrophy, hypomyelinating, 6. Last evaluated: 2022-08-15. Review status: criteria provided, single submitter. Criteria: Invitae Variant Classification Sherloc (09022015). Collection method: clinical testing. Allele origin: germline.
Comment: In summary, the available evidence is currently insufficient to determine the role of this variant in disease. Therefore, it has been classified as a Variant of Uncertain Significance. Algorithms developed to predict the effect of missense changes on protein structure and function are either unavailable or do not agree on the potential impact of this missense change (SIFT: "Tolerated"; PolyPhen-2: "Not Available"; Align-GVGD: "Class C0"). This missense change has been observed in at least one individual who was not affected with TUBB4A-related conditions (Invitae). This variant has not been reported in the literature in individuals affected with TUBB4A-related conditions. The frequency data for this variant in the population databases is considered unreliable, as metrics indicate poor data quality at this position in the gnomAD database. This sequence change replaces alanine, which is neutral and non-polar, with valine, which is neutral and non-polar, at codon 444 of the TUBB4A protein (p.Ala444Val).